The following is an entry in ClinVar:

NM_031935.3(HMCN1):c.3889A>G (p.Thr1297Ala)

Gene: HMCN1 (hemicentin 1; plus strand). Cytogenetic location: 1q31.1.
Variant type: single nucleotide variant.
Coding change: c.3889A>G on transcript NM_031935.3 (MANE Select); coding-DNA position 3889, A replaced by G.
Protein change: p.Thr1297Ala; replaces threonine 1297 with alanine.
Molecular consequence: missense variant.
Genome position (GRCh38, 1-based): chr1:186,000,059, A>G. VCF-style: chr1-186000059-A-G. GRCh37 (hg19) VCF-style: chr1-185969191-A-G.
Other names: short protein forms T1297A.
Identifiers: ClinVar variation 2122977 (VCV002122977.4), dbSNP rs971032601, ClinGen allele CA343874038.
Genomic context (GRCh38, chr1:186,000,059, plus strand): 5'-TCTGTTTTTGTTGTAAAATATCACAAGACTTTAATTTCTTATTTAGGTACCCCTAAACCA[A>G]CCATCAAATGGTTACACAATGGTAGAGAGTTGACAGGCAGAGAGCCTGGCATTTCTATCT-3'
Protein context (NP_114141.2, residues 1287-1307): PCPAKGTPKP[Thr1297Ala]IKWLHNGREL

ClinVar aggregate classification (germline): Uncertain significance (1 of 4 stars; one submission).

Allele frequency attached by ClinVar (database versions not stated): gnomAD exomes below 0.00001.
gnomAD v4.1: 1 of 1,612,344 alleles (0.000062%); highest among the groups gnomAD compares: South Asian, 0.0011%; no homozygotes.

Submission:

Labcorp Genetics (formerly Invitae), Labcorp
Classification: Uncertain significance. Last evaluated: 2022-04-08. Review status: criteria provided, single submitter. Criteria: Invitae Variant Classification Sherloc (09022015). Collection method: clinical testing. Allele origin: germline.
Comment: In summary, the available evidence is currently insufficient to determine the role of this variant in disease. Therefore, it has been classified as a Variant of Uncertain Significance. Algorithms developed to predict the effect of missense changes on protein structure and function are either unavailable or do not agree on the potential impact of this missense change (SIFT: "Tolerated"; PolyPhen-2: "Possibly Damaging"; Align-GVGD: "Class C0"). This variant has not been reported in the literature in individuals affected with HMCN1-related conditions. This variant is not present in population databases (gnomAD no frequency). This sequence change replaces threonine, which is neutral and polar, with alanine, which is neutral and non-polar, at codon 1297 of the HMCN1 protein (p.Thr1297Ala).